The following is an entry in ClinVar:

ClinVar aggregate classification (germline): Benign/Likely benign. Review status: criteria provided, multiple submitters, no conflicts (2 of 4 stars). 5 submissions from 5 submitters: Benign (1); Likely benign (1). 3 of the submissions do not count toward it. Last evaluated 2026-01-05.

Conditions:
DOCK2-related disorder. Also called: DOCK2-related condition.
DOCK2 deficiency. Also called: Immunodeficiency 40. Identifiers: Orphanet 447737, MedGen C4225328, MONDO:0014637, OMIM 616433.

Allele frequency attached by ClinVar (database versions not stated): ESP Exome Variant Server 0.00023; ExAC 0.00050; gnomAD 0.00051; gnomAD exomes 0.00057; TOPMed 0.00075; 1000 Genomes Project 30x 0.00109; 1000 Genomes Project 0.00120.
gnomAD v4.1: 567 of 1,589,650 alleles (0.036%); highest among the groups gnomAD compares: East Asian, 0.9%; 6 homozygotes.

Submissions (5):

Labcorp Genetics (formerly Invitae), Labcorp
Classification: Benign for DOCK2 deficiency. Last evaluated: 2026-01-05. Review status: criteria provided, single submitter. Criteria: Invitae Variant Classification Sherloc (09022015). Collection method: clinical testing. Allele origin: germline.

Blueprint Genetics
Classification: Likely benign. Last evaluated: 2024-11-25. Review status: criteria provided, single submitter. Criteria: ACMG Guidelines, 2015. Collection method: clinical testing. Allele origin: germline.

PreventionGenetics, part of Exact Sciences
Classification: Likely benign for DOCK2-related condition. Last evaluated: 2019-12-20. Review status: no assertion criteria provided. Collection method: clinical testing. Allele origin: germline. Not counted in ClinVar's aggregate classification.
Comment: This variant is classified as likely benign based on ACMG/AMP sequence variant interpretation guidelines (Richards et al. 2015 PMID: 25741868, with internal and published modifications).

Clinical Genetics DNA and cytogenetics Diagnostics Lab, Erasmus MC, Erasmus Medical Center
Classification: Likely benign. Review status: no assertion criteria provided. Collection method: clinical testing. Allele origin: germline. Affected: yes. Study: VKGL Data-share Consensus. Not counted in ClinVar's aggregate classification.

Genome Diagnostics Laboratory, University Medical Center Utrecht
Classification: Benign. Review status: no assertion criteria provided. Collection method: clinical testing. Allele origin: germline. Affected: yes. Study: VKGL Data-share Consensus. Not counted in ClinVar's aggregate classification.

NM_004946.3(DOCK2):c.979+6G>A

Genes: DOCK2 (dedicator of cytokinesis 2; plus strand), LOC126807589 (BRD4-independent group 4 enhancer GRCh37_chr5:169122482-169123681; plus strand). Cytogenetic location: 5q35.1.
Variant type: single nucleotide variant.
Coding change: c.979+6G>A on transcript NM_004946.3 (MANE Select); 6 bases into the intron after coding-DNA position 979, G replaced by A.
Molecular consequence: intron variant.
Genome position (GRCh38, 1-based): chr5:169,695,944, G>A. VCF-style: chr5-169695944-G-A. GRCh37 (hg19) VCF-style: chr5-169122948-G-A.
Identifiers: ClinVar variation 784699 (VCV000784699.15), dbSNP rs200237259, ClinGen allele CA3553306.